The following is an entry in ClinVar:

ClinVar aggregate classification (germline): Uncertain significance. Review status: criteria provided, multiple submitters, no conflicts (2 of 4 stars). 3 submissions from 3 submitters: Uncertain significance (3). Last evaluated 2025-03-19.

Conditions:
Hypertrophic cardiomyopathy 1 (CMH1). Also called: Familial hypertrophic cardiomyopathy 1; MYH7-Related Familial Hypertrophic Cardiomyopathy. Identifiers: MedGen C3495498, MONDO:0008647, OMIM 192600.
Rippling muscle disease 2 (RMD2). Also called: CAV3-Related Rippling Muscle Disease; Limb-girdle muscular dystrophy, type 1C. Identifiers: Orphanet 265, MedGen C1832560, MONDO:0019947, OMIM 606072.
Elevated circulating creatine kinase activity. Also called: Elevated serum creatine phosphokinase; Elevated circulating creatine kinase concentration; Elevated creatine kinase. Identifiers: MedGen C0241005, HP:0003236.
Distal myopathy, Tateyama type (MPDT). Also called: CAV3-Related Distal Myopathy. Identifiers: Orphanet 488650, MedGen C3280443, MONDO:0013686, OMIM 614321.
Long QT syndrome 9 (LQT9). Identifiers: Orphanet 101016, Orphanet 768, MedGen C2678485, MONDO:0012736, OMIM 611818.
Long QT syndrome (LQTS). Identifiers: MedGen C0023976, MeSH D008133, MONDO:0002442. Disease mechanism: loss of function. Inheritance: Various modes of inheritance.

Allele frequency attached by ClinVar (database versions not stated): gnomAD exomes below 0.00001.
gnomAD v4.1: 1 of 1,614,144 alleles (0.000062%); highest among the groups gnomAD compares: Non-Finnish European, 0.000085%; no homozygotes.

Submissions (3):

Revvity Omics, Revvity
Classification: Uncertain significance. Last evaluated: 2025-03-19. Review status: criteria provided, single submitter. Criteria: ACMG Guidelines, 2015. Collection method: clinical testing. Allele origin: germline.

Fulgent Genetics
Classification: Uncertain significance for Creatine phosphokinase, elevated serum; Hypertrophic cardiomyopathy 1; Rippling muscle disease 2; Long QT syndrome 9; Distal myopathy, Tateyama type. Last evaluated: 2021-09-15. Review status: criteria provided, single submitter. Criteria: ACMG Guidelines, 2015. Collection method: clinical testing. Allele origin: unknown.

Labcorp Genetics (formerly Invitae), Labcorp
Classification: Uncertain significance for Long QT syndrome. Last evaluated: 2017-05-09. Review status: criteria provided, single submitter. Criteria: Invitae Variant Classification Sherloc (09022015). Collection method: clinical testing. Allele origin: germline.
Comment: In summary, this variant is a novel missense change with uncertain impact on protein function. It has been classified as a Variant of Uncertain Significance. Algorithms developed to predict the effect of missense changes on protein structure and function do not agree on the potential impact of this missense change (SIFT: "Deleterious"; PolyPhen-2: "Possibly Damaging"; Align-GVGD: "Class C0"). This variant is not present in population databases (ExAC no frequency) and has not been reported in the literature in individuals with a CAV3-related disease. This sequence change replaces alanine with valine at codon 85 of the CAV3 protein (p.Ala85Val). The alanine residue is highly conserved and there is a small physicochemical difference between alanine and valine.

NM_033337.3(CAV3):c.254C>T (p.Ala85Val)

Genes: CAV3 (caveolin 3; plus strand), OXTR (oxytocin receptor; minus strand). Cytogenetic location: 3p25.3.
Variant type: single nucleotide variant.
Coding change: c.254C>T on transcript NM_033337.3 (MANE Select); coding-DNA position 254, C replaced by T.
Protein change: p.Ala85Val; replaces alanine 85 with valine.
Molecular consequence: missense variant.
Genome position (GRCh38, 1-based): chr3:8,745,665, C>T. VCF-style: chr3-8745665-C-T. GRCh37 (hg19) VCF-style: chr3-8787351-C-T.
Other names: c.254C>T, p.Ala85Val (NM_001234.5); short protein forms A85V.
Identifiers: ClinVar variation 457130 (VCV000457130.7), dbSNP rs1553614440, ClinGen allele CA351663381.